The following is an entry in ClinVar:

NM_006939.4(SOS2):c.3125_3126del (p.Thr1042fs)

Gene: SOS2 (SOS Ras/Rho guanine nucleotide exchange factor 2; minus strand). Cytogenetic location: 14q21.3.
Variant type: Microsatellite.
Coding change: c.3125_3126del on transcript NM_006939.4 (MANE Select); coding-DNA positions 3125 to 3126, 2 bases deleted (CA; older notation c.3125_3126delCA).
Protein change: p.Thr1042fs; shifts the reading frame from threonine 1042.
Molecular consequence: frameshift variant.
Genome position (GRCh38, 1-based): chr14:50,130,712-50,130,713, TG deleted on the plus strand (CA on the coding strand, the reverse complement: SOS2 is on the minus strand); deleting any 2 consecutive bases within chr14:50,130,712-50,130,716 gives the same sequence; the c. name uses the placement nearest the transcript's 3' end. VCF-style (leftmost placement, unchanged base first): chr14-50130711-CTG-C. GRCh37 (hg19) VCF-style: chr14-50597429-CTG-C.
Other names: p.Thr1042ArgfsTer23; c.3026_3027del, p.Thr1009fs (NM_001411020.1); short protein forms T1009fs, T1042fs.
Identifiers: ClinVar variation 3781329 (VCV003781329.1).
Genomic context (GRCh38, chr14:50,130,711, plus strand): 5'-GTTCTCTTTCTAATGGTGTTGGGTGACCTCGTAAAGTACCTGAGGTAGAGCCATGTCGGC[CTG>C]TGTTAGGCCTTATTCCAGGAGATTTTAAGGAAAAAGTTGATTTCCTAGGCTGAGAAAAGC-3'

ClinVar aggregate classification (germline): Uncertain significance (1 of 4 stars; one submission).

Conditions:
Noonan syndrome 9 (NS9). Identifiers: Orphanet 648, MedGen C4225282, MONDO:0014691, OMIM 616559.

Submission:

Medical Genetics Clinic, University of Catania
Classification: Uncertain significance for Noonan syndrome 9. Last evaluated: 2025-01-29. Review status: criteria provided, single submitter. Criteria: ACMG Guidelines, 2015. Collection method: clinical testing. Allele origin: paternal. Inheritance: Autosomal dominant inheritance. Affected: yes. Observed: 1 heterozygote.
Comment: The c.3125_3126del (p.Thr1042ArgfsTer23) variant in SOS2 is not reported in the literature. The c.3125_3126del (p.Thr1042ArgfsTer23) variant inserts a change in the amino acid sequence starting from amino acid 1042 with the consequent insertion of a premature STOP codon at amino acid 1064 out of a total of 1332 amino acids. Given the above, in the absence of further information on the possible pathogenetic effect of loss of function variants of the SOS2 gene and on their possible incomplete penetrance, the c.3125_3126del variant in SOS2 is classified as a variant of uncertain significance.